The following is an entry in ClinVar:

ClinVar aggregate classification (germline): Conflicting classifications of pathogenicity. Review status: criteria provided, conflicting classifications (1 of 4 stars). 2 submissions from 2 submitters: Uncertain significance (1); Likely benign (1). Last evaluated 2024-06-06.

Conditions:
Inborn genetic diseases. Identifiers: MedGen C0950123, MeSH D030342.
Brachyolmia-amelogenesis imperfecta syndrome. Also called: PLATYSPONDYLY WITH AMELOGENESIS IMPERFECTA; Tooth agenesis, selective, 6; Dental anomalies and short stature. Identifiers: Orphanet 2899, MedGen C1832594, MONDO:0011018, OMIM 601216. Disease mechanism: loss of function.

Allele frequency attached by ClinVar (database versions not stated): gnomAD exomes below 0.00001; TOPMed 0.00001.
gnomAD v4.1: 3 of 1,495,894 alleles (0.0002%); highest among the groups gnomAD compares: Non-Finnish European, 0.00027%; no homozygotes.

Submissions (2):

Labcorp Genetics (formerly Invitae), Labcorp
Classification: Uncertain significance for Brachyolmia-amelogenesis imperfecta syndrome. Last evaluated: 2024-06-06. Review status: criteria provided, single submitter. Criteria: Invitae Variant Classification Sherloc (09022015). Collection method: clinical testing. Allele origin: germline.
Comment: This sequence change affects codon 1128 of the LTBP3 mRNA. It is a 'silent' change, meaning that it does not change the encoded amino acid sequence of the LTBP3 protein. It affects a nucleotide within the consensus splice site. This variant is not present in population databases (gnomAD no frequency). This variant has not been reported in the literature in individuals affected with LTBP3-related conditions. Algorithms developed to predict the effect of sequence changes on RNA splicing suggest that this variant is not likely to affect RNA splicing. In summary, the available evidence is currently insufficient to determine the role of this variant in disease. Therefore, it has been classified as a Variant of Uncertain Significance.

Ambry Genetics
Classification: Likely benign for Inborn genetic diseases. Last evaluated: 2024-01-08. Review status: criteria provided, single submitter. Criteria: Ambry Variant Classification Scheme 2023. Collection method: clinical testing. Allele origin: germline.

NM_001130144.3(LTBP3):c.3384C>T (p.Ala1128=)

Genes: LTBP3 (latent transforming growth factor beta binding protein 3; minus strand), LOC130006027 (ATAC-STARR-seq lymphoblastoid silent region 3530; plus strand). Cytogenetic location: 11q13.1.
Variant type: single nucleotide variant.
Coding change: c.3384C>T on transcript NM_001130144.3 (MANE Select); coding-DNA position 3384, C replaced by T.
Protein change: p.Ala1128=; no amino-acid change (alanine 1128 retained).
Molecular consequence: synonymous variant. On other transcripts: intron variant (2).
Genome position (GRCh38, 1-based): chr11:65,540,014, G>A on the plus strand (C>T on the coding strand, the complement: LTBP3 is on the minus strand). VCF-style: chr11-65540014-G-A. GRCh37 (hg19) VCF-style: chr11-65307485-G-A.
Other names: c.2894-133C>T (NM_001164266.1); c.3245-133C>T (NM_021070.4).
Identifiers: ClinVar variation 3233173 (VCV003233173.3), dbSNP rs1054389826, ClinGen allele CA224009028.